The following is an entry in ClinVar:

ClinVar aggregate classification (germline): Uncertain significance. Review status: criteria provided, multiple submitters, no conflicts (2 of 4 stars). 3 submissions from 3 submitters: Uncertain significance (3). Last evaluated 2025-05-14.

Conditions:
Inborn genetic diseases. Identifiers: MedGen C0950123, MeSH D030342.
ALG1-congenital disorder of glycosylation. Also called: CDG Ik; CONGENITAL DISORDER OF GLYCOSYLATION, TYPE Ik; ALG1-CDG. Identifiers: Orphanet 79327, MedGen C2931005, MONDO:0012052, OMIM 608540.

Allele frequency attached by ClinVar (database versions not stated): gnomAD 0.00001; gnomAD exomes 0.00001; ExAC 0.00002; TOPMed 0.00002.
gnomAD v4.1: 17 of 1,596,344 alleles (0.0011%); highest among the groups gnomAD compares: Admixed American, 0.0017%; no homozygotes.

Submissions (3):

Labcorp Genetics (formerly Invitae), Labcorp
Classification: Uncertain significance for ALG1-congenital disorder of glycosylation. Last evaluated: 2025-05-14. Review status: criteria provided, single submitter. Criteria: Invitae Variant Classification Sherloc (09022015). Collection method: clinical testing. Allele origin: germline.
Comment: This sequence change replaces arginine, which is basic and polar, with glutamine, which is neutral and polar, at codon 448 of the ALG1 protein (p.Arg448Gln). The frequency data for this variant in the population databases is considered unreliable, as metrics indicate poor data quality at this position in the gnomAD database. This variant has not been reported in the literature in individuals affected with ALG1-related conditions. ClinVar contains an entry for this variant (Variation ID: 2060490). Invitae Evidence Modeling of protein sequence and biophysical properties (such as structural, functional, and spatial information, amino acid conservation, physicochemical variation, residue mobility, and thermodynamic stability) indicates that this missense variant is not expected to disrupt ALG1 protein function with a negative predictive value of 80%. In summary, the available evidence is currently insufficient to determine the role of this variant in disease. Therefore, it has been classified as a Variant of Uncertain Significance.

Fulgent Genetics
Classification: Uncertain significance for ALG1-congenital disorder of glycosylation. Last evaluated: 2024-01-08. Review status: criteria provided, single submitter. Criteria: ACMG Guidelines, 2015. Collection method: clinical testing. Allele origin: germline.

Ambry Genetics
Classification: Uncertain significance for Inborn genetic diseases. Last evaluated: 2022-12-19. Review status: criteria provided, single submitter. Criteria: Ambry Variant Classification Scheme 2023. Collection method: clinical testing. Allele origin: germline.

NM_019109.5(ALG1):c.1343G>A (p.Arg448Gln)

Genes: EEF2KMT (eukaryotic elongation factor 2 lysine methyltransferase; minus strand), ALG1 (ALG1 chitobiosyldiphosphodolichol beta-mannosyltransferase; plus strand). Cytogenetic location: 16p13.3.
Variant type: single nucleotide variant.
Coding change: c.1343G>A on transcript NM_019109.5 (MANE Select); coding-DNA position 1343, G replaced by A.
Protein change: p.Arg448Gln; replaces arginine 448 with glutamine.
Molecular consequence: missense variant. On other transcripts: 3 prime UTR variant (3).
Genome position (GRCh38, 1-based): chr16:5,084,829, G>A. VCF-style: chr16-5084829-G-A. GRCh37 (hg19) VCF-style: chr16-5134830-G-A.
Other names: c.*803C>T (NM_001289029.2, NM_201400.4, NM_201598.4); c.1010G>A, p.Arg337Gln (NM_001330504.2); short protein forms R337Q, R448Q.
Identifiers: ClinVar variation 2060490 (VCV002060490.4), dbSNP rs777417788, ClinGen allele CA7890344.